The following is an entry in ClinVar:

ClinVar aggregate classification (germline): Conflicting classifications of pathogenicity. Review status: criteria provided, conflicting classifications (1 of 4 stars). 4 submissions from 4 submitters: Uncertain significance (1); Likely benign (2). 1 of the submissions does not count toward it. Last evaluated 2026-01-24.

Conditions:
Cardiovascular phenotype. Identifiers: MedGen CN230736.
HCN4-related disorder. Also called: HCN4-related condition.
Sick sinus syndrome 2, autosomal dominant (SSS2). Also called: ATRIAL FIBRILLATION WITH BRADYARRHYTHMIA; SINUS BRADYCARDIA SYNDROME, FAMILIAL, AUTOSOMAL DOMINANT; SINUS NODE DISEASE, FAMILIAL, AUTOSOMAL DOMINANT; SICK SINUS SYNDROME 2; SICK SINUS SYNDROME 2 WITH OR WITHOUT CARDIAC NONCOMPACTION AND/OR ASCENDING AORTA DILATION. Identifiers: Orphanet 166282, MedGen C1834144, MONDO:0008102, OMIM 163800.
Brugada syndrome 8 (BRGDA8). Identifiers: Orphanet 130, MedGen C2751083, MONDO:0013148, OMIM 613123.

Allele frequency attached by ClinVar (database versions not stated): gnomAD 0.00002; TOPMed 0.00002.
gnomAD v4.1: 9 of 1,380,614 alleles (0.00065%); highest among the groups gnomAD compares: Non-Finnish European, 0.00075%; no homozygotes.

Submissions (4):

Labcorp Genetics (formerly Invitae), Labcorp
Classification: Likely benign for Brugada syndrome 8. Last evaluated: 2026-01-24. Review status: criteria provided, single submitter. Criteria: Invitae Variant Classification Sherloc (09022015). Collection method: clinical testing. Allele origin: germline.

Ambry Genetics
Classification: Likely benign for Cardiovascular phenotype. Last evaluated: 2018-12-28. Review status: criteria provided, single submitter. Criteria: Ambry Variant Classification Scheme 2023. Collection method: clinical testing. Allele origin: germline.

Illumina Laboratory Services, Illumina
Classification: Uncertain significance for Sick sinus syndrome 2, autosomal dominant. Last evaluated: 2018-01-13. Review status: criteria provided, single submitter. Criteria: ICSL Variant Classification Criteria 13 December 2019. Collection method: clinical testing. Allele origin: germline.

PreventionGenetics, part of Exact Sciences
Classification: Likely benign for HCN4-related condition. Last evaluated: 2019-09-17. Review status: no assertion criteria provided. Collection method: clinical testing. Allele origin: germline. Not counted in ClinVar's aggregate classification.
Comment: This variant is classified as likely benign based on ACMG/AMP sequence variant interpretation guidelines (Richards et al. 2015 PMID: 25741868, with internal and published modifications).

NM_005477.3(HCN4):c.375C>T (p.Ser125=)

Gene: HCN4 (hyperpolarization activated cyclic nucleotide gated potassium channel 4; minus strand). Cytogenetic location: 15q24.1.
Variant type: single nucleotide variant.
Coding change: c.375C>T on transcript NM_005477.3 (MANE Select); coding-DNA position 375, C replaced by T.
Protein change: p.Ser125=; no amino-acid change (serine 125 retained).
Molecular consequence: synonymous variant.
Genome position (GRCh38, 1-based): chr15:73,367,896, G>A on the plus strand (C>T on the coding strand, the complement: HCN4 is on the minus strand). VCF-style: chr15-73367896-G-A. GRCh37 (hg19) VCF-style: chr15-73660237-G-A.
Identifiers: ClinVar variation 885697 (VCV000885697.16), dbSNP rs1310424203, ClinGen allele CA491479329.